The following is an entry in ClinVar:

ClinVar aggregate classification (germline): Uncertain significance (0 of 4 stars; one submission).

Allele frequency attached by ClinVar (database versions not stated): gnomAD exomes below 0.00001.
gnomAD v4.1: 4 of 1,612,732 alleles (0.00025%); highest among the groups gnomAD compares: Middle Eastern, 0.017%; no homozygotes.

Submission:

Department of Pathology and Laboratory Medicine, Sinai Health System
Classification: Uncertain significance. Review status: no assertion criteria provided. Collection method: clinical testing. Allele origin: unknown. Affected: yes. Study: The Canadian Open Genetics Repository (COGR).
Comment: The KCNQ2 p.A483V variant was not identified in the literature nor was it identified in ClinVar. The variant was identified in dbSNP (ID: rs1465109197) and in control databases in 1 of 248196 chromosomes at a frequency of 0.000004029 (Genome Aggregation Database March 6, 2019, v2.1.1). The variant was observed in the European (non-Finnish) population in 1 of 110826 chromosomes (freq: 0.000009), but was not observed in the African, Latino, Ashkenazi Jewish, East Asian, European (Finnish), Other, or South Asian populations. The p.A483 residue is conserved in mammals but not in more distantly related organisms, and computational analyses (PolyPhen-2, SIFT, MutationTaster, Revel, FATHMM, MetaLR, DANN) suggest that the variant may impact the protein; however, this information is not predictive enough to assume pathogenicity. The variant occurs outside of the splicing consensus sequence and in silico or computational prediction software programs (Splice AI exome) do not predict a difference in splicing. In summary, based on the above information the clinical significance of this variant cannot be determined with certainty at this time. This variant is classified as a variant of uncertain significance.

NM_172107.4(KCNQ2):c.1502C>T (p.Ala501Val)

Gene: KCNQ2 (potassium voltage-gated channel subfamily Q member 2; minus strand). Cytogenetic location: 20q13.33.
Variant type: single nucleotide variant.
Coding change: c.1502C>T on transcript NM_172107.4 (MANE Select); coding-DNA position 1502, C replaced by T.
Protein change: p.Ala501Val; replaces alanine 501 with valine.
Molecular consequence: missense variant.
Genome position (GRCh38, 1-based): chr20:63,414,926, G>A on the plus strand (C>T on the coding strand, the complement: KCNQ2 is on the minus strand). VCF-style: chr20-63414926-G-A. GRCh37 (hg19) VCF-style: chr20-62046279-G-A.
Other names: c.1448C>T, p.Ala483Val (NM_001382235.1, NM_172106.3); c.1418C>T, p.Ala473Val (NM_004518.6); c.1412C>T, p.Ala471Val (NM_172108.5); short protein forms A471V, A473V, A483V, A501V.
Identifiers: ClinVar variation 1049677 (VCV001049677.1), dbSNP rs1465109197, ClinGen allele CA409646161.